The following is an entry in ClinVar:

ClinVar aggregate classification (germline): Uncertain significance (1 of 4 stars; one submission).

Submission:

Labcorp Genetics (formerly Invitae), Labcorp
Classification: Uncertain significance. Last evaluated: 2022-04-21. Review status: criteria provided, single submitter. Criteria: Invitae Variant Classification Sherloc (09022015). Collection method: clinical testing. Allele origin: germline.
Comment: This sequence change replaces aspartic acid, which is acidic and polar, with valine, which is neutral and non-polar, at codon 1150 of the ERCC5 protein (p.Asp1150Val). This variant is not present in population databases (gnomAD no frequency). This variant has not been reported in the literature in individuals affected with ERCC5-related conditions. Algorithms developed to predict the effect of missense changes on protein structure and function (SIFT, PolyPhen-2, Align-GVGD) all suggest that this variant is likely to be tolerated. In summary, the available evidence is currently insufficient to determine the role of this variant in disease. Therefore, it has been classified as a Variant of Uncertain Significance.

NM_000123.4(ERCC5):c.3449A>T (p.Asp1150Val)

Genes: BIVM-ERCC5 (BIVM-ERCC5 readthrough; plus strand), ERCC5 (ERCC excision repair 5, endonuclease; plus strand). Cytogenetic location: 13q33.1.
Variant type: single nucleotide variant.
Coding change: c.3449A>T on transcript NM_000123.4 (MANE Select); coding-DNA position 3449, A replaced by T.
Protein change: p.Asp1150Val; replaces aspartic acid 1150 with valine.
Molecular consequence: missense variant.
Genome position (GRCh38, 1-based): chr13:102,875,791, A>T. VCF-style: chr13-102875791-A-T. GRCh37 (hg19) VCF-style: chr13-103528141-A-T.
Other names: c.4811A>T, p.Asp1604Val (NM_001204425.2); short protein forms D1150V, D1604V.
Identifiers: ClinVar variation 2128691 (VCV002128691.4), dbSNP rs149597229, ClinGen allele CA388675577.